The following is an entry in ClinVar:

ClinVar aggregate classification (germline): Likely benign. Review status: criteria provided, multiple submitters, no conflicts (2 of 4 stars). 2 submissions from 2 submitters: Likely benign (2). Last evaluated 2025-04-01.

Allele frequency attached by ClinVar (database versions not stated): gnomAD exomes 0.00002 and 0.00004; ExAC 0.00010; 1000 Genomes Project 30x 0.00016; ESP Exome Variant Server 0.00016; 1000 Genomes Project 0.00020; gnomAD 0.00037 and 0.00041; TOPMed 0.00043.
gnomAD v4.1: 115 of 1,380,604 alleles (0.0083%); highest among the groups gnomAD compares: African/African-American, 0.15%; 1 homozygote.

Submissions (2):

CeGaT Center for Human Genetics Tuebingen
Classification: Likely benign. Last evaluated: 2025-04-01. Review status: criteria provided, single submitter. Criteria: CeGaT Center For Human Genetics Tuebingen Variant Classification Criteria Version 2. Collection method: clinical testing. Allele origin: germline. Affected: yes. Observed: 1 variant allele.
Comment: MLXIPL: BP4, BP7

Labcorp Genetics (formerly Invitae), Labcorp
Classification: Likely benign. Last evaluated: 2018-02-25. Review status: criteria provided, single submitter. Criteria: Invitae Variant Classification Sherloc (09022015). Collection method: clinical testing. Allele origin: germline.

NM_032951.3(MLXIPL):c.1251C>G (p.Pro417=)

Gene: MLXIPL (MLX interacting protein like; minus strand). Cytogenetic location: 7q11.23.
Variant type: single nucleotide variant.
Coding change: c.1251C>G on transcript NM_032951.3 (MANE Select); coding-DNA position 1251, C replaced by G.
Protein change: p.Pro417=; no amino-acid change (proline 417 retained).
Molecular consequence: synonymous variant. On other transcripts: non-coding transcript variant (1).
Genome position (GRCh38, 1-based): chr7:73,597,534, G>C on the plus strand (C>G on the coding strand, the complement: MLXIPL is on the minus strand). VCF-style: chr7-73597534-G-C. GRCh37 (hg19) VCF-style: chr7-73011864-G-C.
Other names: c.1251C>G, p.Pro417= (NM_032952.3, NM_032953.3, NM_032954.3).
Identifiers: ClinVar variation 735885 (VCV000735885.10), dbSNP rs371223699, ClinGen allele CA4289261.